The following is an entry in ClinVar:

NM_000038.6(APC):c.6929C>T (p.Ser2310Leu)

Gene: APC (APC regulator of Wnt signaling pathway; plus strand). Cytogenetic location: 5q22.2.
Variant type: single nucleotide variant.
Coding change: c.6929C>T on transcript NM_000038.6 (MANE Select); coding-DNA position 6929, C replaced by T.
Protein change: p.Ser2310Leu; replaces serine 2310 with leucine.
Molecular consequence: missense variant.
Genome position (GRCh38, 1-based): chr5:112,842,523, C>T. VCF-style: chr5-112842523-C-T. GRCh37 (hg19) VCF-style: chr5-112178220-C-T.
Other names: c.6929C>T, p.Ser2310Leu (NM_001127510.3, NM_001354895.2); c.6875C>T, p.Ser2292Leu (NM_001127511.3); c.6983C>T, p.Ser2328Leu (NM_001354896.2); c.6959C>T, p.Ser2320Leu (NM_001354897.2); c.6854C>T, p.Ser2285Leu (NM_001354898.2); c.6845C>T, p.Ser2282Leu (NM_001354899.2); c.6806C>T, p.Ser2269Leu (NM_001354900.2); c.6752C>T, p.Ser2251Leu (NM_001354901.2); and 5 more; short protein forms S2292L, S2310L, S2027L, S2184L, S2150L, S2251L, S2320L, S2209L.
Identifiers: ClinVar variation 489487 (VCV000489487.15), dbSNP rs1554087859, ClinGen allele CA16036447.

ClinVar aggregate classification (germline): Uncertain significance. Review status: criteria provided, multiple submitters, no conflicts (2 of 4 stars). 4 submissions from 4 submitters: Uncertain significance (4). Last evaluated 2025-08-11.

Conditions:
Hereditary cancer-predisposing syndrome. Also called: Hereditary Cancer Syndrome; Neoplastic Syndromes, Hereditary; Tumor predisposition; Hereditary neoplastic syndrome. Identifiers: Orphanet 140162, MedGen C0027672, MeSH D009386, MONDO:0015356.
Familial adenomatous polyposis 1 (FAP1). Also called: POLYPOSIS, ADENOMATOUS INTESTINAL; FAMILIAL ADENOMATOUS POLYPOSIS 1, ATTENUATED. Identifiers: MedGen C2713442, MONDO:0021056, OMIM 175100. Disease mechanism: loss of function.
Classic or attenuated familial adenomatous polyposis. Identifiers: MedGen CN372698, MONDO:0021057.

Allele frequency attached by ClinVar (database versions not stated): gnomAD exomes below 0.00001.
gnomAD v4.1: 1 of 1,614,074 alleles (0.000062%); highest among the groups gnomAD compares: Non-Finnish European, 0.000085%; no homozygotes.

Submissions (4):

Labcorp Genetics (formerly Invitae), Labcorp
Classification: Uncertain significance for Familial adenomatous polyposis 1. Last evaluated: 2025-08-11. Review status: criteria provided, single submitter. Criteria: Invitae Variant Classification Sherloc (09022015). Collection method: clinical testing. Allele origin: germline.
Comment: This sequence change replaces serine, which is neutral and polar, with leucine, which is neutral and non-polar, at codon 2310 of the APC protein (p.Ser2310Leu). This variant is not present in population databases (gnomAD no frequency). This variant has not been reported in the literature in individuals affected with APC-related conditions. ClinVar contains an entry for this variant (Variation ID: 489487). Invitae Evidence Modeling of protein sequence and biophysical properties (such as structural, functional, and spatial information, amino acid conservation, physicochemical variation, residue mobility, and thermodynamic stability) indicates that this missense variant is not expected to disrupt APC protein function with a negative predictive value of 95%. In summary, the available evidence is currently insufficient to determine the role of this variant in disease. Therefore, it has been classified as a Variant of Uncertain Significance.

All of Us Research Program, National Institutes of Health
Classification: Uncertain significance for Classic or attenuated familial adenomatous polyposis. Last evaluated: 2024-02-22. Review status: criteria provided, single submitter. Criteria: ACMG Guidelines, 2015. Collection method: clinical testing. Allele origin: germline. Inheritance: Autosomal dominant inheritance. Observed: 1 variant allele, 1 heterozygote.
Comment: This missense variant replaces serine with leucine at codon 2310 of the APC protein. Computational prediction is inconclusive regarding the impact of this variant on protein structure and function (internally defined REVEL score threshold 0.5 < inconclusive < 0.7, PMID: 27666373). To our knowledge, functional studies have not been reported for this variant. This variant has not been reported in individuals affected with APC-related disorders in the literature. This variant has not been identified in the general population by the Genome Aggregation Database (gnomAD). The available evidence is insufficient to determine the role of this variant in disease conclusively. Therefore, this variant is classified as a Variant of Uncertain Significance.

This study involves interpretation of variants in research participants for the purpose of population health screening. Participant phenotype was not available at the time of variant classification. Additional details can be found in publication PMID: 35346344, PMCID: PMC8962531

Color Diagnostics, LLC DBA Color Health
Classification: Uncertain significance for Hereditary cancer-predisposing syndrome. Last evaluated: 2023-12-05. Review status: criteria provided, single submitter. Criteria: ACMG Guidelines, 2015. Collection method: clinical testing. Allele origin: germline.
Comment: This missense variant replaces serine with leucine at codon 2310 of the APC protein. Computational prediction is inconclusive regarding the impact of this variant on protein structure and function (internally defined REVEL score threshold 0.5 < inconclusive < 0.7, PMID: 27666373). To our knowledge, functional studies have not been reported for this variant. This variant has not been reported in individuals affected with APC-related disorders in the literature. This variant has not been identified in the general population by the Genome Aggregation Database (gnomAD). The available evidence is insufficient to determine the role of this variant in disease conclusively. Therefore, this variant is classified as a Variant of Uncertain Significance.

Ambry Genetics
Classification: Uncertain significance for Hereditary cancer-predisposing syndrome. Last evaluated: 2022-06-27. Review status: criteria provided, single submitter. Criteria: Ambry Variant Classification Scheme 2023. Collection method: clinical testing. Allele origin: germline.
Comment: The p.S2310L variant (also known as c.6929C>T), located in coding exon 15 of the APC gene, results from a C to T substitution at nucleotide position 6929. The serine at codon 2310 is replaced by leucine, an amino acid with dissimilar properties. This amino acid position is conserved. In addition, in silico predictors for this gene do not accurately predict pathogenicity. Since supporting evidence is limited at this time, the clinical significance of this alteration remains unclear.